The following is an entry in ClinVar:

NM_001164508.2(NEB):c.3653del (p.Lys1218fs)

Gene: NEB (nebulin; minus strand). Cytogenetic location: 2q23.3.
Variant type: Deletion.
Coding change: c.3653del on transcript NM_001164508.2 (MANE Select); coding-DNA position 3653, one base deleted (A; older notation c.3653delA).
Protein change: p.Lys1218fs; shifts the reading frame from lysine 1218.
Molecular consequence: frameshift variant.
Genome position (GRCh38, 1-based): chr2:151,677,686, T deleted on the plus strand (A on the coding strand, the reverse complement: NEB is on the minus strand); the first of 5 consecutive T bases (chr2:151,677,686-151,677,690); deleting any one gives the same sequence. VCF-style (leftmost placement, unchanged base first): chr2-151677685-CT-C. GRCh37 (hg19) VCF-style: chr2-152534199-CT-C.
Other names: c.3653del, p.Lys1218fs (NM_001164507.2, NM_001271208.2, NM_004543.5); short protein forms K1218fs.
Identifiers: ClinVar variation 2854559 (VCV002854559.3), dbSNP rs2552262536, ClinGen allele CA2739271259.

ClinVar aggregate classification (germline): Pathogenic (1 of 4 stars; one submission).

Conditions:
Nemaline myopathy 2 (NEM2). Also called: Nemaline myopathy 2, autosomal recessive. Identifiers: MedGen C1850569, MONDO:0009725, OMIM 256030.

Submission:

Labcorp Genetics (formerly Invitae), Labcorp
Classification: Pathogenic for Nemaline myopathy 2. Last evaluated: 2023-04-10. Review status: criteria provided, single submitter. Criteria: Invitae Variant Classification Sherloc (09022015). Collection method: clinical testing. Allele origin: germline.
Comment: This variant has not been reported in the literature in individuals affected with NEB-related conditions. For these reasons, this variant has been classified as Pathogenic. This variant is not present in population databases (gnomAD no frequency). This sequence change creates a premature translational stop signal (p.Lys1218Argfs*6) in the NEB gene. It is expected to result in an absent or disrupted protein product. Loss-of-function variants in NEB are known to be pathogenic (PMID: 25205138).

Literature cited by the submitters: PubMed 25205138.